The following is an entry in ClinVar:

ClinVar aggregate classification (germline): Uncertain significance. Review status: criteria provided, multiple submitters, no conflicts (2 of 4 stars). 2 submissions from 2 submitters: Uncertain significance (2). Last evaluated 2022-02-03.

Conditions:
LAMA2-related muscular dystrophy (LAMA2-RD). Also called: Laminin alpha 2-related dystrophy. Identifiers: MedGen C5679788, MONDO:0100228.

Submissions (2):

Labcorp Genetics (formerly Invitae), Labcorp
Classification: Uncertain significance for LAMA2-related muscular dystrophy. Last evaluated: 2022-02-03. Review status: criteria provided, single submitter. Criteria: Invitae Variant Classification Sherloc (09022015). Collection method: clinical testing. Allele origin: germline.
Comment: This sequence change replaces aspartic acid, which is acidic and polar, with glycine, which is neutral and non-polar, at codon 480 of the LAMA2 protein (p.Asp480Gly). This variant is not present in population databases (gnomAD no frequency). This variant has not been reported in the literature in individuals affected with LAMA2-related conditions. ClinVar contains an entry for this variant (Variation ID: 1038240). Advanced modeling of protein sequence and biophysical properties (such as structural, functional, and spatial information, amino acid conservation, physicochemical variation, residue mobility, and thermodynamic stability) performed at Invitae indicates that this missense variant is not expected to disrupt LAMA2 protein function. In summary, the available evidence is currently insufficient to determine the role of this variant in disease. Therefore, it has been classified as a Variant of Uncertain Significance.

Revvity Omics, Revvity
Classification: Uncertain significance. Last evaluated: 2019-01-03. Review status: criteria provided, single submitter. Criteria: ACMG Guidelines, 2015. Collection method: clinical testing. Allele origin: germline.

NM_000426.4(LAMA2):c.1439A>G (p.Asp480Gly)

Gene: LAMA2 (laminin subunit alpha 2; plus strand). Cytogenetic location: 6q22.33.
Variant type: single nucleotide variant.
Coding change: c.1439A>G on transcript NM_000426.4 (MANE Select); coding-DNA position 1439, A replaced by G.
Protein change: p.Asp480Gly; replaces aspartic acid 480 with glycine.
Molecular consequence: missense variant.
Genome position (GRCh38, 1-based): chr6:129,177,838, A>G. VCF-style: chr6-129177838-A-G. GRCh37 (hg19) VCF-style: chr6-129498983-A-G.
Other names: c.1439A>G (NM_000426.3); c.1439A>G, p.Asp480Gly (NM_001079823.2); short protein forms D480G.
Identifiers: ClinVar variation 1038240 (VCV001038240.13), dbSNP rs1780696729, ClinGen allele CA365607679.